The following is an entry in ClinVar:

NM_001379659.1(ZNF142):c.5448C>T (p.Thr1816=)

Gene: ZNF142 (zinc finger protein 142; minus strand). Cytogenetic location: 2q35.
Variant type: single nucleotide variant.
Coding change: c.5448C>T on transcript NM_001379659.1 (MANE Select); coding-DNA position 5448, C replaced by T.
Protein change: p.Thr1816=; no amino-acid change (threonine 1816 retained).
Molecular consequence: synonymous variant.
Genome position (GRCh38, 1-based): chr2:218,638,555, G>A on the plus strand (C>T on the coding strand, the complement: ZNF142 is on the minus strand). VCF-style: chr2-218638555-G-A. GRCh37 (hg19) VCF-style: chr2-219503278-G-A.
Other names: c.4848C>T, p.Thr1616= (NM_001105537.5, NM_001366291.3, NM_001379662.1); c.4359C>T, p.Thr1453= (NM_001366287.3, NM_001366288.3, NM_001366289.3); c.5448C>T, p.Thr1816= (NM_001366290.3, NM_001379660.1, NM_001379661.1).
Identifiers: ClinVar variation 2651885 (VCV002651885.24), dbSNP rs556339609, ClinGen allele CA2108511.

ClinVar aggregate classification (germline): Likely benign (1 of 4 stars; one submission).

Allele frequency attached by ClinVar (database versions not stated): ExAC 0.00003; gnomAD 0.00003; TOPMed 0.00004; 1000 Genomes Project 30x 0.00016; 1000 Genomes Project 0.00020.
gnomAD v4.1: 28 of 1,610,732 alleles (0.0017%); highest among the groups gnomAD compares: Admixed American, 0.0083%; no homozygotes.

Submission:

CeGaT Center for Human Genetics Tuebingen
Classification: Likely benign. Last evaluated: 2023-07-01. Review status: criteria provided, single submitter. Criteria: CeGaT Center For Human Genetics Tuebingen Variant Classification Criteria Version 2. Collection method: clinical testing. Allele origin: germline. Affected: yes. Observed: 1 variant allele.
Comment: ZNF142: BP4, BP7